The following is an entry in ClinVar:

NM_022772.4(EPS8L2):c.2145C>G (p.Ser715Arg)

Gene: EPS8L2 (EPS8 signaling adaptor L2; plus strand). Cytogenetic location: 11p15.5.
Variant type: single nucleotide variant.
Coding change: c.2145C>G on transcript NM_022772.4 (MANE Select); coding-DNA position 2145, C replaced by G.
Protein change: p.Ser715Arg; replaces serine 715 with arginine.
Molecular consequence: missense variant.
Genome position (GRCh38, 1-based): chr11:726,978, C>G. VCF-style: chr11-726978-C-G. GRCh37 (hg19) VCF-style: chr11-726978-C-G.
Other names: c.2145C>G (NM_022772.3); short protein forms S715R.
Identifiers: ClinVar variation 1567815 (VCV001567815.10), dbSNP rs201776164, ClinGen allele CA5787935.

ClinVar aggregate classification (germline): Likely benign. Review status: criteria provided, single submitter (1 of 4 stars). 2 submissions from 2 submitters: Likely benign (1). 1 of the submissions does not count toward it. Last evaluated 2025-11-16.

Conditions:
EPS8L2-related disorder. Also called: EPS8L2-related condition.

Allele frequency attached by ClinVar (database versions not stated): ExAC 0.00102; 1000 Genomes Project 0.00120; 1000 Genomes Project 30x 0.00125; ESP Exome Variant Server 0.00077; gnomAD exomes 0.00090.

Submissions (2):

Labcorp Genetics (formerly Invitae), Labcorp
Classification: Likely benign. Last evaluated: 2025-11-16. Review status: criteria provided, single submitter. Criteria: Invitae Variant Classification Sherloc (09022015). Collection method: clinical testing. Allele origin: germline.

PreventionGenetics, part of Exact Sciences
Classification: Likely benign for EPS8L2-related condition. Last evaluated: 2023-12-04. Review status: no assertion criteria provided. Collection method: clinical testing. Allele origin: germline. Not counted in ClinVar's aggregate classification.
Comment: This variant is classified as likely benign based on ACMG/AMP sequence variant interpretation guidelines (Richards et al. 2015 PMID: 25741868, with internal and published modifications).